The following is an entry in ClinVar:

ClinVar aggregate classification (germline): Likely benign (1 of 4 stars; one submission).

gnomAD v4.1: 487 of 1,597,508 alleles (0.03%); highest among the groups gnomAD compares: South Asian, 0.51%; 3 homozygotes.

Submission:

CeGaT Center for Human Genetics Tuebingen
Classification: Likely benign. Last evaluated: 2026-02-01. Review status: criteria provided, single submitter. Criteria: CeGaT Center For Human Genetics Tuebingen Variant Classification Criteria Version 2. Collection method: clinical testing. Allele origin: germline. Affected: yes. Observed: 1 variant allele.
Comment: SPTLC1: BP4, BP7

NM_006415.4(SPTLC1):c.427+572G>A

Gene: SPTLC1 (serine palmitoyltransferase long chain base subunit 1; minus strand). Cytogenetic location: 9q22.31.
Variant type: single nucleotide variant.
Coding change: c.427+572G>A on transcript NM_006415.4 (MANE Select); 572 bases into the intron after coding-DNA position 427, G replaced by A.
Molecular consequence: intron variant. On other transcripts: synonymous variant (1), 3 prime UTR variant (1).
Genome position (GRCh38, 1-based): chr9:92,079,444, C>T on the plus strand (G>A on the coding strand, the complement: SPTLC1 is on the minus strand). VCF-style: chr9-92079444-C-T. GRCh37 (hg19) VCF-style: chr9-94841726-C-T.
Other names: c.51G>A, p.Pro17= (NM_001368272.1); c.*118G>A (NM_178324.3); c.427+572G>A (NM_001281303.2); c.-39+572G>A (NM_001368273.1).
Identifiers: ClinVar variation 4821925 (VCV004821925.4).